The following is an entry in ClinVar:

ClinVar aggregate classification (germline): Pathogenic (1 of 4 stars; one submission).

Conditions:
Neurofibromatosis, type 1 (NF1). Also called: VON RECKLINGHAUSEN DISEASE; Peripheral type neurofibromatosis; NEUROFIBROMATOSIS, TYPE I, SOMATIC; Neurofibromatosis, type I. Identifiers: Orphanet 636, MedGen C0027831, MONDO:0018975, OMIM 162200. Disease mechanism: loss of function.

Submission:

Labcorp Genetics (formerly Invitae), Labcorp
Classification: Pathogenic for Neurofibromatosis, type 1. Last evaluated: 2020-09-01. Review status: criteria provided, single submitter. Criteria: Invitae Variant Classification Sherloc (09022015). Collection method: clinical testing. Allele origin: germline.
Comment: This sequence change creates a premature translational stop signal (p.Glu126Argfs*7) in the NF1 gene. It is expected to result in an absent or disrupted protein product. This variant is not present in population databases (ExAC no frequency). This variant has not been reported in the literature in individuals with NF1-related conditions. Loss-of-function variants in NF1 are known to be pathogenic (PMID: 10712197, 23913538). For these reasons, this variant has been classified as Pathogenic.

Literature cited by the submitters: PubMed 10712197; PubMed 23913538.

NM_001042492.3(NF1):c.375_376del (p.Glu126fs)

Gene: NF1 (neurofibromin 1; plus strand). Cytogenetic location: 17q11.2.
Variant type: Deletion.
Coding change: c.375_376del on transcript NM_001042492.3 (MANE Select); coding-DNA positions 375 to 376, 2 bases deleted (TG; older notation c.375_376delTG).
Protein change: p.Glu126fs; shifts the reading frame from glutamic acid 126.
Molecular consequence: frameshift variant.
Genome position (GRCh38, 1-based): chr17:31,163,272-31,163,273, TG deleted; deleting any 2 consecutive bases within chr17:31,163,271-31,163,273 gives the same sequence; the c. name uses the placement nearest the transcript's 3' end. VCF-style (leftmost placement, unchanged base first): chr17-31163270-CGT-C. GRCh37 (hg19) VCF-style: chr17-29490288-CGT-C.
Other names: c.375_376delTG, p.Glu126Argfs (NM_000267.4); c.375_376del, p.Glu126fs (NM_001128147.3); short protein forms E126fs.
Identifiers: ClinVar variation 1072197 (VCV001072197.1), dbSNP rs2143672004, ClinGen allele CA2499223981.